The following is an entry in ClinVar:

NM_003108.4(SOX11):c.67G>A (p.Glu23Lys)

Gene: SOX11 (SRY-box transcription factor 11; plus strand). Cytogenetic location: 2p25.2.
Variant type: single nucleotide variant.
Coding change: c.67G>A on transcript NM_003108.4 (MANE Select); coding-DNA position 67, G replaced by A.
Protein change: p.Glu23Lys; replaces glutamic acid 23 with lysine.
Molecular consequence: missense variant.
Genome position (GRCh38, 1-based): chr2:5,692,788, G>A. VCF-style: chr2-5692788-G-A. GRCh37 (hg19) VCF-style: chr2-5832920-G-A.
Other names: short protein forms E23K.
Identifiers: ClinVar variation 2111738 (VCV002111738.4), dbSNP rs2465087311, ClinGen allele CA345865847.

ClinVar aggregate classification (germline): Uncertain significance (1 of 4 stars; one submission).

Submission:

Labcorp Genetics (formerly Invitae), Labcorp
Classification: Uncertain significance. Last evaluated: 2023-08-30. Review status: criteria provided, single submitter. Criteria: Invitae Variant Classification Sherloc (09022015). Collection method: clinical testing. Allele origin: germline.
Comment: This variant has not been reported in the literature in individuals affected with SOX11-related conditions. In summary, the available evidence is currently insufficient to determine the role of this variant in disease. Therefore, it has been classified as a Variant of Uncertain Significance. An algorithm developed to predict the effect of missense changes on protein structure and function (PolyPhen-2) suggests that this variant is likely to be disruptive. ClinVar contains an entry for this variant (Variation ID: 2111738). This variant is not present in population databases (gnomAD no frequency). This sequence change replaces glutamic acid, which is acidic and polar, with lysine, which is basic and polar, at codon 23 of the SOX11 protein (p.Glu23Lys).